The following is an entry in ClinVar:

NM_001199138.2(NLRC4):c.1597_1605del (p.Leu534_Ser536del)

Gene: NLRC4 (NLR family CARD domain containing 4; minus strand). Cytogenetic location: 2p22.3.
Variant type: Deletion.
Coding change: c.1597_1605del on transcript NM_001199138.2 (MANE Select); coding-DNA positions 1597 to 1605, 9 bases deleted (TCTTTGCAA; older notation c.1597_1605delTCTTTGCAA).
Protein change: p.Leu534_Ser536del.
Molecular consequence: inframe deletion. On other transcripts: inframe indel (2), intron variant (1).
Genome position (GRCh38, 1-based): chr2:32,250,259-32,250,267, TTGCAAAGA deleted on the plus strand (TCTTTGCAA on the coding strand, the reverse complement: NLRC4 is on the minus strand); deleting any 9 consecutive bases within chr2:32,250,259-32,250,269 gives the same sequence; the c. name uses the placement nearest the transcript's 3' end. VCF-style (leftmost placement, unchanged base first): chr2-32250258-TTTGCAAAGA-T. GRCh37 (hg19) VCF-style: chr2-32475327-TTTGCAAAGA-T.
Other names: c.1595_1603delAATCTTTGC, p.Leu534_Ser536del (NM_001199139.2, NM_021209.5); c.262+2152_262+2160del (NM_001302504.1).
Identifiers: ClinVar variation 3750943 (VCV003750943.2).

ClinVar aggregate classification (germline): Uncertain significance (1 of 4 stars; one submission).

Conditions:
Periodic fever-infantile enterocolitis-autoinflammatory syndrome. Also called: Autoinflammation with infantile enterocolitis. Identifiers: Orphanet 436166, MedGen C4015067, MONDO:0014472, OMIM 616050.
Familial cold autoinflammatory syndrome 4 (FCAS4). Identifiers: Orphanet 47045, Orphanet 576349, MedGen C4015276, MONDO:0014498, OMIM 616115.

Submission:

Labcorp Genetics (formerly Invitae), Labcorp
Classification: Uncertain significance for Periodic fever-infantile enterocolitis-autoinflammatory syndrome; Familial cold autoinflammatory syndrome 4. Last evaluated: 2025-01-29. Review status: criteria provided, single submitter. Criteria: Invitae Variant Classification Sherloc (09022015). Collection method: clinical testing. Allele origin: germline.
Comment: This variant, c.1597_1605del, results in the deletion of 3 amino acid(s) of the NLRC4 protein (p.Leu534_Ser536del), but otherwise preserves the integrity of the reading frame. This variant is not present in population databases (gnomAD no frequency). This variant has not been reported in the literature in individuals affected with NLRC4-related conditions. Experimental studies and prediction algorithms are not available or were not evaluated, and the functional significance of this variant is currently unknown. In summary, the available evidence is currently insufficient to determine the role of this variant in disease. Therefore, it has been classified as a Variant of Uncertain Significance.